The following is an entry in ClinVar:

NM_002693.3(POLG):c.2727C>T (p.Gly909=)

Gene: POLG (DNA polymerase gamma, catalytic subunit; minus strand). Cytogenetic location: 15q26.1.
Variant type: single nucleotide variant.
Coding change: c.2727C>T on transcript NM_002693.3 (MANE Select); coding-DNA position 2727, C replaced by T.
Protein change: p.Gly909=; no amino-acid change (glycine 909 retained).
Molecular consequence: synonymous variant.
Genome position (GRCh38, 1-based): chr15:89,321,132, G>A on the plus strand (C>T on the coding strand, the complement: POLG is on the minus strand). VCF-style: chr15-89321132-G-A. GRCh37 (hg19) VCF-style: chr15-89864363-G-A.
Other names: c.2727C>T, p.Gly909= (NM_001126131.2).
Identifiers: ClinVar variation 393144 (VCV000393144.14), dbSNP rs752611524, ClinGen allele CA7724377.

ClinVar aggregate classification (germline): Uncertain significance. Review status: criteria provided, multiple submitters, no conflicts (2 of 4 stars). 2 submissions from 2 submitters: Uncertain significance (2). Last evaluated 2025-11-09.

Conditions:
Progressive sclerosing poliodystrophy (MTDPS4A). Also called: Mitochondrial DNA depletion syndrome 4A (Alpers type); Alpers Syndrome; ALPERS DIFFUSE DEGENERATION OF CEREBRAL GRAY MATTER WITH HEPATIC CIRRHOSIS; Mitochondrial DNA Depletion Syndrome 4A; Alpers-Huttenlocher Syndrome (AHS); ALPERS PROGRESSIVE INFANTILE POLIODYSTROPHY. Identifiers: Orphanet 726, MedGen C0205710, MONDO:0008758, OMIM 203700.

Allele frequency attached by ClinVar (database versions not stated): gnomAD exomes below 0.00001 and 0.00001; ExAC 0.00002; gnomAD 0.00002; TOPMed 0.00002.
gnomAD v4.1: 4 of 1,614,114 alleles (0.00025%); highest among the groups gnomAD compares: African/African-American, 0.0053%; no homozygotes.

Submissions (2):

Labcorp Genetics (formerly Invitae), Labcorp
Classification: Uncertain significance for Progressive sclerosing poliodystrophy. Last evaluated: 2025-11-09. Review status: criteria provided, single submitter. Criteria: Invitae Variant Classification Sherloc (09022015). Collection method: clinical testing. Allele origin: germline.
Comment: This sequence change affects codon 909 of the POLG mRNA. It is a 'silent' change, meaning that it does not change the encoded amino acid sequence of the POLG protein. The frequency data for this variant in the population databases is considered unreliable, as metrics indicate poor data quality at this position in the gnomAD database. This variant has not been reported in the literature in individuals affected with POLG-related conditions. ClinVar contains an entry for this variant (Variation ID: 393144). Algorithms developed to predict the effect of sequence changes on RNA splicing suggest that this variant may create or strengthen a splice site. In summary, the available evidence is currently insufficient to determine the role of this variant in disease. Therefore, it has been classified as a Variant of Uncertain Significance.

GeneDx
Classification: Uncertain significance. Last evaluated: 2017-01-24. Review status: criteria provided, single submitter. Criteria: GeneDx Variant Classification (06012015). Collection method: clinical testing. Allele origin: germline. Affected: yes.
Comment: A variant of uncertain significance has been identified in the POLG gene. The c.2727 C>T variant has not been published as a pathogenic variant, nor has it been reported as a benign variant to our knowledge. The c.2727 C>T variant is not observed at a significant frequency in large population cohorts (Lek et al., 2016; 1000 Genomes Consortium et al., 2015; Exome Variant Server). Several in-silico splice prediction models predict that c.2727 C>T may create a cryptic splice donor site which may supplant the natural splice donor site and lead to abnormal gene splicing. However, in the absence of RNA/functional studies, the actual effect of this sequence change is unknown. Additionally, this nucleotide substitution occurs at a position that is not conserved. Therefore, based on the currently available information, it is unclear whether this variant is a pathogenic variant or a rare benign variant.